The following is an entry in ClinVar:

NM_001129820.2(SLFN14):c.1439G>T (p.Gly480Val)

Gene: SLFN14 (schlafen family member 14; minus strand). Cytogenetic location: 17q12.
Variant type: single nucleotide variant.
Coding change: c.1439G>T on transcript NM_001129820.2 (MANE Select); coding-DNA position 1439, G replaced by T.
Protein change: p.Gly480Val; replaces glycine 480 with valine.
Molecular consequence: missense variant.
Genome position (GRCh38, 1-based): chr17:35,553,195, C>A on the plus strand (G>T on the coding strand, the complement: SLFN14 is on the minus strand). VCF-style: chr17-35553195-C-A. GRCh37 (hg19) VCF-style: chr17-33880214-C-A.
Other names: p.Gly480Val; short protein forms G480V.
Identifiers: ClinVar variation 4542147 (VCV004542147.1).

ClinVar aggregate classification (germline): Uncertain significance (1 of 4 stars; one submission).

gnomAD v4.1: 6 of 1,551,672 alleles (0.00039%); highest among the groups gnomAD compares: Non-Finnish European, 0.00052%; no homozygotes.

Submission:

Mayo Clinic Laboratories, Mayo Clinic
Classification: Uncertain significance. Last evaluated: 2025-10-10. Review status: criteria provided, single submitter. Criteria: ACMG Guidelines, 2015. Collection method: clinical testing. Allele origin: germline. Observed: 1 variant allele.
Comment: BP4_moderate, PM2_supporting